The following is an entry in ClinVar:

NM_007194.4(CHEK2):c.1520C>A (p.Ala507Asp)

Gene: CHEK2 (checkpoint kinase 2; minus strand). Cytogenetic location: 22q12.1.
Variant type: single nucleotide variant.
Coding change: c.1520C>A on transcript NM_007194.4 (MANE Select); coding-DNA position 1520, C replaced by A.
Protein change: p.Ala507Asp; replaces alanine 507 with aspartic acid.
Molecular consequence: missense variant.
Genome position (GRCh38, 1-based): chr22:28,689,157, G>T on the plus strand (C>A on the coding strand, the complement: CHEK2 is on the minus strand). VCF-style: chr22-28689157-G-T. GRCh37 (hg19) VCF-style: chr22-29085145-G-T.
Other names: c.1649C>A, p.Ala550Asp (NM_001005735.3); c.857C>A, p.Ala286Asp (NM_001257387.3); c.1319C>A, p.Ala440Asp (NM_001349956.3); c.1433C>A, p.Ala478Asp (NM_145862.3); short protein forms A507D, A440D, A478D, A550D, A286D.
Identifiers: ClinVar variation 232939 (VCV000232939.5), dbSNP rs876660087, ClinGen allele CA10581024.

ClinVar aggregate classification (germline): Uncertain significance (1 of 4 stars; one submission).

Conditions:
Hereditary cancer-predisposing syndrome. Also called: Neoplastic Syndromes, Hereditary; Tumor predisposition; Hereditary Cancer Syndrome; Hereditary neoplastic syndrome. Identifiers: Orphanet 140162, MedGen C0027672, MeSH D009386, MONDO:0015356.

Submission:

Ambry Genetics
Classification: Uncertain significance for Hereditary cancer-predisposing syndrome. Last evaluated: 2015-07-16. Review status: criteria provided, single submitter. Criteria: Ambry Variant Classification Scheme 2023. Collection method: clinical testing. Allele origin: germline.
Comment: The p.A507D variant (also known as c.1520C>A), located in coding exon 13 of the CHEK2 gene, results from a C to A substitution at nucleotide position 1520. The alanine at codon 507 is replaced by aspartic acid, an amino acid with dissimilar properties. This variant was not reported in population based cohorts in the following databases: Database of Single Nucleotide Polymorphisms (dbSNP), NHLBI Exome Sequencing Project (ESP), and 1000 Genomes Project. In the ESP, this variant was not observed in 3665 samples (7330 alleles) with coverage at this position. To date, this alteration has been detected with an allele frequency of approximately 0.001% (greater than 72,000 alleles tested) in our clinical cohort. This amino acid position is poorly conserved in available vertebrate species. In addition, this alteration is predicted to be tolerated by in silico analysis. Since supporting evidence is limited at this time, the clinical significance of p.A507D remains unclear.